The following is an entry in ClinVar:

ClinVar aggregate classification (germline): Pathogenic (1 of 4 stars; one submission).

Conditions:
Hereditary cancer-predisposing syndrome. Also called: Neoplastic Syndromes, Hereditary; Tumor predisposition; Hereditary Cancer Syndrome; Hereditary neoplastic syndrome. Identifiers: Orphanet 140162, MedGen C0027672, MeSH D009386, MONDO:0015356.

Submission:

Ambry Genetics
Classification: Pathogenic for Hereditary cancer-predisposing syndrome. Last evaluated: 2026-03-27. Review status: criteria provided, single submitter. Criteria: Ambry Variant Classification Scheme 2023. Collection method: clinical testing. Allele origin: germline.
Comment: The c.3754delC pathogenic mutation, located in coding exon 9 of the BRCA1 gene, results from a deletion of one nucleotide at nucleotide position 3754, causing a translational frameshift with a predicted alternate stop codon (p.L1252Cfs*12). This variant is considered to be rare based on population cohorts in the Genome Aggregation Database (gnomAD). This alteration is expected to result in loss of function by premature protein truncation or nonsense-mediated mRNA decay. As such, this alteration is interpreted as a disease-causing mutation.

NM_007294.4(BRCA1):c.3754del (p.Leu1252fs)

Genes: BRCA1 (BRCA1 DNA repair associated; minus strand), LOC126862571 (BRD4-independent group 4 enhancer GRCh37_chr17:41243136-41244335; plus strand). Cytogenetic location: 17q21.31.
Variant type: Deletion.
Coding change: c.3754del on transcript NM_007294.4 (MANE Select); coding-DNA position 3754, one base deleted (C; older notation c.3754delC).
Protein change: p.Leu1252fs; shifts the reading frame from leucine 1252.
Molecular consequence: frameshift variant. On other transcripts: intron variant (135).
Genome position (GRCh38, 1-based): chr17:43,091,777, G deleted on the plus strand (C on the coding strand, the reverse complement: BRCA1 is on the minus strand). VCF-style (leftmost placement, unchanged base first): chr17-43091776-AG-A. GRCh37 (hg19) VCF-style: chr17-41243793-AG-A.
Other names: c.3751del, p.Leu1251fs (NM_001407633.1, NM_001407634.1, NM_001407635.1 and 22 more transcripts); c.3754del, p.Leu1252fs (NM_001407639.1, NM_001407640.1, NM_001407641.1 and 30 more transcripts); c.3745del, p.Leu1249fs (NM_001407646.1, NM_001407647.1); c.3631del, p.Leu1211fs (NM_001407648.1, NM_001407664.1, NM_001407665.1 and 19 more transcripts); c.3628del, p.Leu1210fs (NM_001407649.1, NM_001407670.1, NM_001407671.1 and 11 more transcripts); c.3676del, p.Leu1226fs (NM_001407653.1, NM_001407654.1, NM_001407655.1 and 4 more transcripts); c.3673del, p.Leu1225fs (NM_001407659.1, NM_001407660.1, NM_001407661.1 and 1 more transcripts); c.3613del, p.Leu1205fs (NM_001407692.1, NM_001407694.1, NM_001407695.1 and 29 more transcripts); and 41 more; short protein forms L1084fs, L1124fs, L1125fs, L1140fs, L1141fs, L1163fs, L1164fs, L1181fs.
Identifiers: ClinVar variation 4867702 (VCV004867702.1).